The following is an entry in ClinVar:

ClinVar aggregate classification (germline): Uncertain significance. Review status: criteria provided, single submitter (1 of 4 stars). 2 submissions from 2 submitters: Uncertain significance (1). 1 of the submissions does not count toward it. Last evaluated 2015-05-06.

Conditions:
Ataxia-telangiectasia syndrome (AT). Also called: Ataxia-telangiectasia, complementation group D; Cerebello-oculocutaneous telangiectasia; Immunodeficiency with ataxia telangiectasia; ATAXIA-TELANGIECTASIA, COMPLEMENTATION GROUP A; ATAXIA-TELANGIECTASIA, FRESNO VARIANT; LOUIS-BAR SYNDROME. Identifiers: Orphanet 100, MedGen C0004135, MONDO:0008840, OMIM 208900.

Submissions (2):

GeneDx
Classification: Uncertain significance. Last evaluated: 2015-05-06. Review status: criteria provided, single submitter. Criteria: GeneDx Variant Classification (06012015). Collection method: clinical testing. Allele origin: germline. Affected: yes.
Comment: This variant is denoted ATM c.3740T>C at the cDNA level, p.Phe1247Ser (F1247S) at the protein level, and results in the change of a Phenylalanine to a Serine (TTC>TCC). This variant has not, to our knowledge, been published in the literature as pathogenic or benign. ATM Phe1247Ser was not observed in approximately 6,500 individuals of European and African American ancestry in the NHLBI Exome Sequencing Project, indicating it is not a common benign variant in these populations. Since Phenylalanine and Serine differ in polarity, charge, size or other properties, this is considered a non-conservative amino acid substitution. ATM Phe1247Ser occurs at a position that is conserved across species and is not located in a known functional domain (UniProt). In silico analyses predict that this variant is probably damaging to protein structure and function. Based on currently available information, it is unclear whether ATM Phe1247Ser is pathogenic or benign. We consider it to be a variant of uncertain significance.

Natera, Inc.
Classification: Uncertain significance for Ataxia-telangiectasia. Last evaluated: 2020-11-12. Review status: no assertion criteria provided. Collection method: clinical testing. Allele origin: germline. Not counted in ClinVar's aggregate classification.

NM_000051.4(ATM):c.3740T>C (p.Phe1247Ser)

Gene: ATM (ATM serine/threonine kinase; plus strand). Cytogenetic location: 11q22.3.
Variant type: single nucleotide variant.
Coding change: c.3740T>C on transcript NM_000051.4 (MANE Select); coding-DNA position 3740, T replaced by C.
Protein change: p.Phe1247Ser; replaces phenylalanine 1247 with serine.
Molecular consequence: missense variant.
Genome position (GRCh38, 1-based): chr11:108,282,873, T>C. VCF-style: chr11-108282873-T-C. GRCh37 (hg19) VCF-style: chr11-108153600-T-C.
Other names: c.3740T>C, p.Phe1247Ser (NM_001351834.2); short protein forms F1247S.
Identifiers: ClinVar variation 419005 (VCV000419005.3), dbSNP rs1064793581, ClinGen allele CA16619166.